The following is an entry in ClinVar:

NM_002907.4(RECQL):c.980C>T (p.Ser327Phe)

Gene: RECQL (RecQ like helicase; minus strand). Cytogenetic location: 12p12.1.
Variant type: single nucleotide variant.
Coding change: c.980C>T on transcript NM_002907.4 (MANE Select); coding-DNA position 980, C replaced by T.
Protein change: p.Ser327Phe; replaces serine 327 with phenylalanine.
Molecular consequence: missense variant.
Genome position (GRCh38, 1-based): chr12:21,475,794, G>A on the plus strand (C>T on the coding strand, the complement: RECQL is on the minus strand). VCF-style: chr12-21475794-G-A. GRCh37 (hg19) VCF-style: chr12-21628728-G-A.
Other names: c.980C>T, p.Ser327Phe (NM_032941.3); short protein forms S327F.
Identifiers: ClinVar variation 2450991 (VCV002450991.3), dbSNP rs2540347200, ClinGen allele CA384122130.
Genomic context (GRCh38, chr12:21,475,794, plus strand): 5'-TTGGCATGGTAAGCACCTGCATGAATTCCCAGATTCTGCAAACTAACCGTAACTTGTTCA[G>A]AGTCTTTCTGAGAAAAACAATATATGATTCCTGCAGTAAAATATGTGCATTTGTTAGATA-3'
Protein context (NP_002898.2, residues 317-337): GIIYCFSQKD[Ser327Phe]EQVTVSLQNL

ClinVar aggregate classification (germline): Uncertain significance (1 of 4 stars; one submission).

Submission:

Ambry Genetics
Classification: Uncertain significance. Last evaluated: 2025-04-09. Review status: criteria provided, single submitter. Criteria: Ambry Variant Classification Scheme 2023. Collection method: clinical testing. Allele origin: germline.
Comment: The p.S327F variant (also known as c.980C>T), located in coding exon 8 of the RECQL gene, results from a C to T substitution at nucleotide position 980. The serine at codon 327 is replaced by phenylalanine, an amino acid with highly dissimilar properties. This amino acid position is conserved. In addition, the in silico prediction for this alteration is inconclusive. Since supporting evidence is limited at this time, the clinical significance of this alteration remains unclear.